The following is an entry in ClinVar:

ClinVar aggregate classification (germline): Uncertain significance (1 of 4 stars; one submission).

Conditions:
Joubert syndrome. Also called: CEREBELLOPARENCHYMAL DISORDER IV; JOUBERT-BOLTSHAUSER SYNDROME; Familial aplasia of the vermis. Identifiers: Orphanet 475, MedGen C5979921, MONDO:0018772.
Orofaciodigital syndrome I (OFD1). Also called: OFDS I; Papillon-Leage and Psaume Syndrome; Oral-Facial-Digital Syndrome Type I. Identifiers: Orphanet 2750, MedGen C1510460, MONDO:0010702, OMIM 311200.

Submission:

Labcorp Genetics (formerly Invitae), Labcorp
Classification: Uncertain significance for Orofaciodigital syndrome I; Joubert syndrome. Last evaluated: 2023-06-24. Review status: criteria provided, single submitter. Criteria: Invitae Variant Classification Sherloc (09022015). Collection method: clinical testing. Allele origin: germline.
Comment: In summary, the available evidence is currently insufficient to determine the role of this variant in disease. Therefore, it has been classified as a Variant of Uncertain Significance. Advanced modeling of protein sequence and biophysical properties (such as structural, functional, and spatial information, amino acid conservation, physicochemical variation, residue mobility, and thermodynamic stability) performed at Invitae indicates that this missense variant is expected to disrupt OFD1 protein function. This variant has not been reported in the literature in individuals affected with OFD1-related conditions. This variant is present in population databases (no rsID available, gnomAD 0.008%). This sequence change replaces glycine, which is neutral and non-polar, with valine, which is neutral and non-polar, at codon 130 of the OFD1 protein (p.Gly130Val).

NM_003611.3(OFD1):c.389G>T (p.Gly130Val)

Gene: OFD1 (OFD1 centriole and centriolar satellite protein; plus strand). Cytogenetic location: Xp22.2.
Variant type: single nucleotide variant.
Coding change: c.389G>T on transcript NM_003611.3 (MANE Select); coding-DNA position 389, G replaced by T.
Protein change: p.Gly130Val; replaces glycine 130 with valine.
Molecular consequence: missense variant. On other transcripts: 5 prime UTR variant (1).
Genome position (GRCh38, 1-based): chrX:13,739,009, G>T. VCF-style: chrX-13739009-G-T. GRCh37 (hg19) VCF-style: chrX-13757128-G-T.
Other names: c.389G>T, p.Gly130Val (NM_001330209.2); c.-157G>T (NM_001330210.2); short protein forms G130V.
Identifiers: ClinVar variation 2949267 (VCV002949267.3), dbSNP rs1179309529, ClinGen allele CA412334026.